The following is an entry in ClinVar:

NM_015631.6(TCTN3):c.324C>T (p.Asp108=)

Gene: TCTN3 (tectonic family member 3; minus strand). Cytogenetic location: 10q24.1.
Variant type: single nucleotide variant.
Coding change: c.324C>T on transcript NM_015631.6 (MANE Select); coding-DNA position 324, C replaced by T.
Protein change: p.Asp108=; no amino-acid change (aspartic acid 108 retained).
Molecular consequence: synonymous variant.
Genome position (GRCh38, 1-based): chr10:95,693,409, G>A on the plus strand (C>T on the coding strand, the complement: TCTN3 is on the minus strand). VCF-style: chr10-95693409-G-A. GRCh37 (hg19) VCF-style: chr10-97453166-G-A.
Other names: c.324C>T, p.Asp108= (NM_001143973.2).
Identifiers: ClinVar variation 1620394 (VCV001620394.33), dbSNP rs566756038, ClinGen allele CA5621184.

ClinVar aggregate classification (germline): Benign/Likely benign. Review status: criteria provided, multiple submitters, no conflicts (2 of 4 stars). 3 submissions from 3 submitters: Benign (1); Likely benign (2). Last evaluated 2026-01-21.

Conditions:
Orofacial-digital syndrome IV (OFD4). Also called: MOHR-MAJEWSKI SYNDROME; BARAITSER-BURN SYNDROME; OFD SYNDROME WITH TIBIAL DEFECTS; OFD SYNDROME, BARAITSER-BURN TYPE; OFDS IV; ORAL-FACIAL-DIGITAL SYNDROME, TYPE IV. Identifiers: Orphanet 2753, MedGen C0406727, MONDO:0009794, OMIM 258860.
Joubert syndrome 18 (JBTS18). Identifiers: Orphanet 2754, MedGen C3553758, MONDO:0013896, OMIM 614815.

Allele frequency attached by ClinVar (database versions not stated): gnomAD 0.00001 and 0.00029; TOPMed 0.00006; gnomAD exomes 0.00058 and 0.00141; 1000 Genomes Project 30x 0.00125; 1000 Genomes Project 0.00140; ExAC 0.00434.
gnomAD v4.1: 839 of 1,552,010 alleles (0.054%); highest among the groups gnomAD compares: South Asian, 0.94%; 13 homozygotes.

Submissions (3):

Labcorp Genetics (formerly Invitae), Labcorp
Classification: Benign for Joubert syndrome 18; Orofacial-digital syndrome IV. Last evaluated: 2026-01-21. Review status: criteria provided, single submitter. Criteria: Invitae Variant Classification Sherloc (09022015). Collection method: clinical testing. Allele origin: germline.

Blueprint Genetics
Classification: Likely benign. Last evaluated: 2024-09-27. Review status: criteria provided, single submitter. Criteria: ACMG Guidelines, 2015. Collection method: clinical testing. Allele origin: germline.

CeGaT Center for Human Genetics Tuebingen
Classification: Likely benign. Last evaluated: 2022-10-01. Review status: criteria provided, single submitter. Criteria: CeGaT Center For Human Genetics Tuebingen Variant Classification Criteria Version 2. Collection method: clinical testing. Allele origin: germline. Affected: yes. Observed: 1 variant allele.
Comment: TCTN3: BP4, BP7